The following is an entry in ClinVar:

NM_001605.3(AARS1):c.1755G>C (p.Val585=)

Gene: AARS1 (alanyl-tRNA synthetase 1; minus strand). Cytogenetic location: 16q22.1.
Variant type: single nucleotide variant.
Coding change: c.1755G>C on transcript NM_001605.3 (MANE Select); coding-DNA position 1755, G replaced by C.
Protein change: p.Val585=; no amino-acid change (valine 585 retained).
Molecular consequence: synonymous variant.
Genome position (GRCh38, 1-based): chr16:70,261,074, C>G on the plus strand (G>C on the coding strand, the complement: AARS1 is on the minus strand). VCF-style: chr16-70261074-C-G. GRCh37 (hg19) VCF-style: chr16-70294977-C-G.
Identifiers: ClinVar variation 4988618 (VCV004988618.1).
Genomic context (GRCh38, chr16:70,261,074, plus strand): 5'-TCCAATGGGGGCCACAGTAACCCAACTCACCTCATCAATAAACAGCCAGACCTGATCCCC[C>G]ACTTTCAGGTCACCGTAGATGGTTCCAATGTGTAGCACATACCCTCCTCGGACCTGAGCA-3'
Protein context (NP_001596.2, residues 575-595): HIGTIYGDLK[Val585=]GDQVWLFIDE

ClinVar aggregate classification (germline): Likely benign (1 of 4 stars; one submission).

Conditions:
AARS1-related disorder. Also called: AARS1-related condition.

gnomAD v4.1: 3 of 1,613,772 alleles (0.00019%); highest among the groups gnomAD compares: Non-Finnish European, 0.00025%; no homozygotes.

Submission:

PreventionGenetics, part of Exact Sciences
Classification: Likely benign for AARS1-related condition. Last evaluated: 2026-05-25. Review status: criteria provided, single submitter. Criteria: ACMG Guidelines, 2015. Collection method: clinical testing. Allele origin: germline.
Comment: This variant is classified as likely benign based on ACMG/AMP sequence variant interpretation guidelines (Richards et al. 2015 PMID: 25741868, with internal and published modifications).